The following is an entry in ClinVar:

ClinVar aggregate classification (germline): Pathogenic (1 of 4 stars; one submission).

Submission:

Labcorp Genetics (formerly Invitae), Labcorp
Classification: Pathogenic. Last evaluated: 2022-03-09. Review status: criteria provided, single submitter. Criteria: Invitae Variant Classification Sherloc (09022015). Collection method: clinical testing. Allele origin: germline.
Comment: This variant disrupts the C-terminus of the RP1 protein. Many variants that disrupt this region have been reported in individuals with either autosomal dominant or autosomal recessive retinitis pigmentosa (PMID: 11527933, 19933189, 29425069, 30027431). Therefore, variants that disrupt this region are expected to be disease-causing. This sequence change creates a premature translational stop signal (p.Lys673Argfs*9) in the RP1 gene. While this is not anticipated to result in nonsense mediated decay, it is expected to disrupt the last 1484 amino acid(s) of the RP1 protein. This variant is not present in population databases (gnomAD no frequency). This variant has not been reported in the literature in individuals affected with RP1-related conditions. ClinVar contains an entry for this variant (Variation ID: 1076794). For these reasons, this variant has been classified as Pathogenic.

Literature cited by the submitters: PubMed 11527933; PubMed 19933189; PubMed 29425069; PubMed 30027431.

NM_006269.2(RP1):c.2018del (p.Lys673fs)

Gene: RP1 (RP1 axonemal microtubule associated; plus strand). Cytogenetic location: 8q12.1.
Variant type: Deletion.
Coding change: c.2018del on transcript NM_006269.2 (MANE Select); coding-DNA position 2018, one base deleted (A; older notation c.2018delA).
Protein change: p.Lys673fs; shifts the reading frame from lysine 673.
Molecular consequence: frameshift variant. On other transcripts: intron variant (1).
Genome position (GRCh38, 1-based): chr8:54,625,900, A deleted; the last of 2 consecutive A bases (chr8:54,625,899-54,625,900); deleting either gives the same sequence. VCF-style (leftmost placement, unchanged base first): chr8-54625898-GA-G. GRCh37 (hg19) VCF-style: chr8-55538458-GA-G.
Other names: c.787+3612del (NM_001375654.1); short protein forms K673fs.
Identifiers: ClinVar variation 1076794 (VCV001076794.9), dbSNP rs2129316381, ClinGen allele CA2499219346.
Genomic context (GRCh38, chr8:54,625,898, plus strand): 5'-TGGTTTAACAAAACTTCCAAAAAATGAAAAGAAGATTTTGTCATCTGTTGCCAGCAAAAA[GA>G]AGAAAAAATCTCGACAGCAAGCAATAAATTCCAGGTATCAAGATGGACAGCTTGCAACCA-3'